The following is an entry in ClinVar:

NM_020824.4(ARHGAP21):c.2296G>A (p.Gly766Arg)

Gene: ARHGAP21 (Rho GTPase activating protein 21; minus strand). Cytogenetic location: 10p12.1.
Variant type: single nucleotide variant.
Coding change: c.2296G>A on transcript NM_020824.4 (MANE Select); coding-DNA position 2296, G replaced by A.
Protein change: p.Gly766Arg; replaces glycine 766 with arginine.
Molecular consequence: missense variant. On other transcripts: non-coding transcript variant (5).
Genome position (GRCh38, 1-based): chr10:24,619,599, C>T on the plus strand (G>A on the coding strand, the complement: ARHGAP21 is on the minus strand). VCF-style: chr10-24619599-C-T. GRCh37 (hg19) VCF-style: chr10-24908528-C-T.
Other names: NC_000010.10:g.24908528C>T; c.2266G>A, p.Gly756Arg (NM_001367447.1, NM_001367451.1, NM_001367453.1); c.2296G>A, p.Gly766Arg (NM_001367448.1, NM_001367454.1); c.2002G>A, p.Gly668Arg (NM_001367449.1, NM_001367450.1); c.1825G>A, p.Gly609Arg (NM_001367452.1); c.1657G>A, p.Gly553Arg (NM_001367455.1); short protein forms G609R, G756R, G668R, G553R, G766R.
Identifiers: ClinVar variation 720139 (VCV000720139.18), dbSNP rs61758699, ClinGen allele CA5441662.

ClinVar aggregate classification (germline): Likely benign. Review status: criteria provided, multiple submitters, no conflicts (2 of 4 stars). 2 submissions from 2 submitters: Likely benign (2). Last evaluated 2025-03-01.

Allele frequency attached by ClinVar (database versions not stated): 1000 Genomes Project 0.00200; 1000 Genomes Project 30x 0.00219; TOPMed 0.00421; ESP Exome Variant Server 0.00454.
gnomAD v4.1: 9,377 of 1,614,100 alleles (0.58%); highest among the groups gnomAD compares: Non-Finnish European, 0.71%; 25 homozygotes.

Submissions (10):

CeGaT Center for Human Genetics Tuebingen
Classification: Likely benign. Last evaluated: 2025-03-01. Review status: criteria provided, single submitter. Criteria: CeGaT Center For Human Genetics Tuebingen Variant Classification Criteria Version 2. Collection method: clinical testing. Allele origin: germline. Affected: yes. Observed: 2 variant alleles.
Comment: ARHGAP21: BS2

Labcorp Genetics (formerly Invitae), Labcorp
Classification: Likely benign. Last evaluated: 2018-07-06. Review status: criteria provided, single submitter. Criteria: Invitae Variant Classification Sherloc (09022015). Collection method: clinical testing. Allele origin: germline.

Dr. Peter K. Rogan Lab, Western University
No classification provided (evidence only). Condition: Colorectal cancer. Review status: no classification provided. Collection method: in vitro. Allele origin: not applicable. Functional consequence: retained intron. Not counted in ClinVar's aggregate classification.

Dr. Peter K. Rogan Lab, Western University
No classification provided (evidence only). Condition: Thyroid cancer, nonmedullary, 1. Review status: no classification provided. Collection method: in vitro. Allele origin: not applicable. Functional consequence: retained intron. Not counted in ClinVar's aggregate classification.

Dr. Peter K. Rogan Lab, Western University
No classification provided (evidence only). Condition: Thyroid cancer, nonmedullary, 1. Review status: no classification provided. Collection method: in vitro. Allele origin: not applicable. Functional consequence: retained intron. Not counted in ClinVar's aggregate classification.

Dr. Peter K. Rogan Lab, Western University
No classification provided (evidence only). Condition: Nonpapillary renal cell carcinoma. Review status: no classification provided. Collection method: in vitro. Allele origin: not applicable. Functional consequence: retained intron. Not counted in ClinVar's aggregate classification.

Dr. Peter K. Rogan Lab, Western University
No classification provided (evidence only). Condition: Thymoma. Review status: no classification provided. Collection method: in vitro. Allele origin: not applicable. Functional consequence: retained intron. Not counted in ClinVar's aggregate classification.

Dr. Peter K. Rogan Lab, Western University
No classification provided (evidence only). Condition: Ovarian serous cystadenocarcinoma. Review status: no classification provided. Collection method: in vitro. Allele origin: not applicable. Functional consequence: retained intron. Not counted in ClinVar's aggregate classification.

Dr. Peter K. Rogan Lab, Western University
No classification provided (evidence only). Condition: Ovarian serous cystadenocarcinoma. Review status: no classification provided. Collection method: in vitro. Allele origin: not applicable. Functional consequence: retained intron. Not counted in ClinVar's aggregate classification.

Dr. Peter K. Rogan Lab, Western University
No classification provided (evidence only). Condition: Ovarian serous cystadenocarcinoma. Review status: no classification provided. Collection method: in vitro. Allele origin: not applicable. Functional consequence: retained intron. Not counted in ClinVar's aggregate classification.